The following is an entry in ClinVar:

ClinVar aggregate classification (germline): Conflicting classifications of pathogenicity. Review status: criteria provided, conflicting classifications (1 of 4 stars). 2 submissions from 2 submitters: Uncertain significance (1); Likely benign (1). Last evaluated 2025-10-16.

Conditions:
Alpha thalassemia-X-linked intellectual disability syndrome (ATRX). Also called: ALPHA-THALASSEMIA/MENTAL RETARDATION SYNDROME, X-LINKED; ATR, NONDELETION TYPE; ATR-X syndrome; Alpha thalassemia mental retardation syndrome, nondeletion type, X-linked; XLMR hypotonic face syndrome; X-linked alpha-thalassemia-mental retardation syndrome. Identifiers: Orphanet 847, MedGen C1845055, MONDO:0010519, OMIM 301040.

Allele frequency attached by ClinVar (database versions not stated): gnomAD exomes below 0.00001; gnomAD 0.00001; TOPMed 0.00002.
gnomAD v4.1: 5 of 1,145,450 alleles (0.00044%); highest among the groups gnomAD compares: Middle Eastern, 0.048%; no homozygotes.

Submissions (2):

Labcorp Genetics (formerly Invitae), Labcorp
Classification: Likely benign for Alpha thalassemia-X-linked intellectual disability syndrome. Last evaluated: 2025-10-16. Review status: criteria provided, single submitter. Criteria: Invitae Variant Classification Sherloc (09022015). Collection method: clinical testing. Allele origin: germline.

GeneDx
Classification: Uncertain significance. Last evaluated: 2021-12-08. Review status: criteria provided, single submitter. Criteria: GeneDx Variant Classification Process June 2021. Collection method: clinical testing. Allele origin: germline. Affected: yes.
Comment: Has not been previously published as pathogenic or benign to our knowledge; In-silico analysis is inconclusive as to whether the variant alters gene splicing. In the absence of RNA/functional studies, the actual effect of this sequence change is unknown.

NM_000489.6(ATRX):c.485-7C>G

Gene: ATRX (ATRX chromatin remodeler; minus strand). Cytogenetic location: Xq21.1.
Variant type: single nucleotide variant.
Coding change: c.485-7C>G on transcript NM_000489.6 (MANE Select); 7 bases into the intron before coding-DNA position 485, C replaced by G.
Molecular consequence: intron variant.
Genome position (GRCh38, 1-based): chrX:77,688,934, G>C on the plus strand (C>G on the coding strand, the complement: ATRX is on the minus strand). VCF-style: chrX-77688934-G-C. GRCh37 (hg19) VCF-style: chrX-76944427-G-C.
Other names: c.371-7C>G (NM_138270.5).
Identifiers: ClinVar variation 1133399 (VCV001133399.11), dbSNP rs1225852818, ClinGen allele CA642698772.